The following is an entry in ClinVar:

NM_144670.6(A2ML1):c.1511A>G (p.Gln504Arg)

Gene: A2ML1 (alpha-2-macroglobulin like 1; plus strand). Cytogenetic location: 12p13.31.
Variant type: single nucleotide variant.
Coding change: c.1511A>G on transcript NM_144670.6 (MANE Select); coding-DNA position 1511, A replaced by G.
Protein change: p.Gln504Arg; replaces glutamine 504 with arginine.
Molecular consequence: missense variant.
Genome position (GRCh38, 1-based): chr12:8,845,476, A>G. VCF-style: chr12-8845476-A-G. GRCh37 (hg19) VCF-style: chr12-8998072-A-G.
Other names: c.38A>G, p.Gln13Arg (NM_001282424.3); short protein forms Q504R, Q13R.
Identifiers: ClinVar variation 1774208 (VCV001774208.2), dbSNP rs2539233688, ClinGen allele CA383826788.

ClinVar aggregate classification (germline): Uncertain significance (1 of 4 stars; one submission).

Submission:

Ambry Genetics
Classification: Uncertain significance. Last evaluated: 2021-06-22. Review status: criteria provided, single submitter. Criteria: Ambry Variant Classification Scheme 2023. Collection method: clinical testing. Allele origin: germline.
Comment: The p.Q504R variant (also known as c.1511A>G), located in coding exon 13 of the A2ML1 gene, results from an A to G substitution at nucleotide position 1511. The glutamine at codon 504 is replaced by arginine, an amino acid with highly similar properties. This amino acid position is conserved. In addition, this alteration is predicted to be tolerated by in silico analysis. Since supporting evidence is limited at this time, the clinical significance of this alteration remains unclear.